The following is an entry in ClinVar:

ClinVar aggregate classification (germline): Uncertain significance. Review status: criteria provided, multiple submitters, no conflicts (2 of 4 stars). 3 submissions from 3 submitters: Uncertain significance (3). Last evaluated 2022-04-04.

Conditions:
Blau syndrome (BLAUS). Also called: JABS SYNDROME; ARTHROCUTANEOUVEAL GRANULOMATOSIS; GRANULOMATOSIS, FAMILIAL JUVENILE SYSTEMIC; GRANULOMATOSIS, FAMILIAL, BLAU TYPE; GRANULOMATOUS INFLAMMATORY ARTHRITIS, DERMATITIS, AND UVEITIS, FAMILIAL. Identifiers: Orphanet 90340, MedGen C5201146, MONDO:0008523, OMIM 186580.
Regional enteritis. Also called: Enteritis, Granulomatous. Identifiers: MedGen C0678202, MeSH D003424.
Yao syndrome. Also called: Susceptibility to Yao syndrome. Identifiers: MedGen C4310620, MONDO:0015019, OMIM 617321.

Allele frequency attached by ClinVar (database versions not stated): gnomAD 0.00001.
gnomAD v4.1: 2 of 1,613,606 alleles (0.00012%); highest among the groups gnomAD compares: Admixed American, 0.0017%; no homozygotes.

Submissions (3):

Laboratorio de Genetica e Diagnostico Molecular, Hospital Israelita Albert Einstein
Classification: Uncertain significance for Yao syndrome. Last evaluated: 2022-04-04. Review status: criteria provided, single submitter. Criteria: ACMG Guidelines, 2015. Collection method: clinical testing. Allele origin: germline. Affected: yes. Observed: 1 variant allele.
Comment: ACMG classification criteria: PM2

Labcorp Genetics (formerly Invitae), Labcorp
Classification: Uncertain significance for Regional enteritis; Blau syndrome. Last evaluated: 2020-06-30. Review status: criteria provided, single submitter. Criteria: Invitae Variant Classification Sherloc (09022015). Collection method: clinical testing. Allele origin: germline.
Comment: The current clinical and genetic evidence is not sufficient to establish whether loss-of-function variants in NOD2 cause disease. This variant has not been reported in the literature in individuals with NOD2-related disease. This variant is not present in population databases (ExAC no frequency). This sequence change creates a premature translational stop signal (p.Gln35*) in the NOD2 gene. It is expected to result in an absent or disrupted protein product. In summary, the available evidence is currently insufficient to determine the role of this variant in disease. Therefore, it has been classified as a Variant of Uncertain Significance.

CENTOGENE GmbH and LLC - Guiding Precision Medicine
Classification: Uncertain significance for Blau syndrome. Last evaluated: 2018-11-28. Review status: criteria provided, single submitter. Criteria: ACMG Guidelines, 2015. Collection method: clinical testing. Allele origin: germline. Affected: yes.

NM_001370466.1(NOD2):c.22C>T (p.Gln8Ter)

Gene: NOD2 (nucleotide binding oligomerization domain containing 2; plus strand). Cytogenetic location: 16q12.1.
Variant type: single nucleotide variant.
Coding change: c.22C>T on transcript NM_001370466.1 (MANE Select); coding-DNA position 22, C replaced by T.
Protein change: p.Gln8Ter; replaces glutamine 8 with a stop codon.
Molecular consequence: nonsense. On other transcripts: non-coding transcript variant (1).
Genome position (GRCh38, 1-based): chr16:50,699,517, C>T. VCF-style: chr16-50699517-C-T. GRCh37 (hg19) VCF-style: chr16-50733428-C-T.
Other names: c.22C>T, p.Gln8Ter (NM_001293557.2); c.103C>T, p.Gln35Ter (NM_022162.3); short protein forms Q35*, Q8*.
Identifiers: ClinVar variation 581748 (VCV000581748.10), dbSNP rs1567380372, ClinGen allele CA395865277.
Genomic context (GRCh38, chr16:50,699,517, plus strand): 5'-AGTCCCGCACTGACCTTGTTCTCCTCCCCAGGTTGTGAAATGTGCTCGCAGGAGGCTTTT[C>T]AGGCACAGAGGAGCCAGCTGGTCGAGCTGCTGGTCTCAGGGTCCCTGGAAGGCTTCGAGA-3'